The following is an entry in ClinVar:

ClinVar aggregate classification (germline): Uncertain significance (1 of 4 stars; one submission).

gnomAD v4.1: 1 of 1,613,814 alleles (0.000062%); highest among the groups gnomAD compares: East Asian, 0.0022%; no homozygotes.

Submission:

Labcorp Genetics (formerly Invitae), Labcorp
Classification: Uncertain significance. Last evaluated: 2025-03-01. Review status: criteria provided, single submitter. Criteria: Invitae Variant Classification Sherloc (09022015). Collection method: clinical testing. Allele origin: germline.
Comment: This sequence change replaces threonine, which is neutral and polar, with serine, which is neutral and polar, at codon 862 of the ITGAM protein (p.Thr862Ser). This variant is not present in population databases (gnomAD no frequency). This variant has not been reported in the literature in individuals affected with ITGAM-related conditions. An algorithm developed to predict the effect of missense changes on protein structure and function outputs the following: PolyPhen-2: "Benign". The serine amino acid residue is found in multiple mammalian species, which suggests that this missense change does not adversely affect protein function. In summary, the available evidence is currently insufficient to determine the role of this variant in disease. Therefore, it has been classified as a Variant of Uncertain Significance.

NM_000632.4(ITGAM):c.2585C>G (p.Thr862Ser)

Gene: ITGAM (integrin subunit alpha M; plus strand). Cytogenetic location: 16p11.2.
Variant type: single nucleotide variant.
Coding change: c.2585C>G on transcript NM_000632.4 (MANE Select); coding-DNA position 2585, C replaced by G.
Protein change: p.Thr862Ser; replaces threonine 862 with serine.
Molecular consequence: missense variant.
Genome position (GRCh38, 1-based): chr16:31,325,579, C>G. VCF-style: chr16-31325579-C-G. GRCh37 (hg19) VCF-style: chr16-31336900-C-G.
Other names: c.2588C>G, p.Thr863Ser (NM_001145808.2); short protein forms T862S, T863S.
Identifiers: ClinVar variation 4799578 (VCV004799578.1).